The following is an entry in ClinVar:

NM_001122769.3(LCA5):c.425G>A (p.Arg142Lys)

Gene: LCA5 (lebercilin LCA5; minus strand). Cytogenetic location: 6q14.1.
Variant type: single nucleotide variant.
Coding change: c.425G>A on transcript NM_001122769.3 (MANE Select); coding-DNA position 425, G replaced by A.
Protein change: p.Arg142Lys; replaces arginine 142 with lysine.
Molecular consequence: missense variant.
Genome position (GRCh38, 1-based): chr6:79,513,507, C>T on the plus strand (G>A on the coding strand, the complement: LCA5 is on the minus strand). VCF-style: chr6-79513507-C-T. GRCh37 (hg19) VCF-style: chr6-80223224-C-T.
Other names: c.425G>A, p.Arg142Lys (NM_181714.4); short protein forms R142K.
Identifiers: ClinVar variation 857105 (VCV000857105.9), dbSNP rs1766316985, ClinGen allele CA364629052.

ClinVar aggregate classification (germline): Uncertain significance (1 of 4 stars; one submission).

Submission:

Labcorp Genetics (formerly Invitae), Labcorp
Classification: Uncertain significance. Last evaluated: 2022-06-13. Review status: criteria provided, single submitter. Criteria: Invitae Variant Classification Sherloc (09022015). Collection method: clinical testing. Allele origin: germline.
Comment: In summary, the available evidence is currently insufficient to determine the role of this variant in disease. Therefore, it has been classified as a Variant of Uncertain Significance. Algorithms developed to predict the effect of missense changes on protein structure and function output the following: SIFT: "Deleterious"; PolyPhen-2: "Benign"; Align-GVGD: "Class C0". The lysine amino acid residue is found in multiple mammalian species, which suggests that this missense change does not adversely affect protein function. ClinVar contains an entry for this variant (Variation ID: 857105). This variant has not been reported in the literature in individuals affected with LCA5-related conditions. This variant is not present in population databases (gnomAD no frequency). This sequence change replaces arginine, which is basic and polar, with lysine, which is basic and polar, at codon 142 of the LCA5 protein (p.Arg142Lys).